The following is an entry in ClinVar:

ClinVar aggregate classification (germline): Uncertain significance (1 of 4 stars; one submission).

Conditions:
Neuropathy, hereditary sensory and autonomic, type 2A (HSAN2A). Also called: HSAN IIA; WNK1-Related HSAN2 (HSAN2A); ACROOSTEOLYSIS, GIACCAI TYPE; ACROOSTEOLYSIS, NEUROGENIC; MORVAN DISEASE; NEUROPATHY, CONGENITAL SENSORY. Identifiers: Orphanet 970, MedGen C2752089, MONDO:0024309, OMIM 201300.
Pseudohypoaldosteronism type 2C (PHA2C). Also called: Pseudohypoaldosteronism Type IIC. Identifiers: Orphanet 757, Orphanet 88940, MedGen C1840391, MONDO:0013778, OMIM 614492.

Submission:

Labcorp Genetics (formerly Invitae), Labcorp
Classification: Uncertain significance for Neuropathy, hereditary sensory and autonomic, type 2A; Pseudohypoaldosteronism type 2C. Last evaluated: 2024-02-11. Review status: criteria provided, single submitter. Criteria: Invitae Variant Classification Sherloc (09022015). Collection method: clinical testing. Allele origin: germline.
Comment: This sequence change replaces serine, which is neutral and polar, with leucine, which is neutral and non-polar, at codon 1682 of the WNK1 protein (p.Ser1682Leu). This variant is not present in population databases (gnomAD no frequency). This variant has not been reported in the literature in individuals affected with WNK1-related conditions. Advanced modeling of protein sequence and biophysical properties (such as structural, functional, and spatial information, amino acid conservation, physicochemical variation, residue mobility, and thermodynamic stability) performed at Invitae indicates that this missense variant is not expected to disrupt WNK1 protein function with a negative predictive value of 95%. In summary, the available evidence is currently insufficient to determine the role of this variant in disease. Therefore, it has been classified as a Variant of Uncertain Significance.

NM_018979.4(WNK1):c.4289C>T (p.Ser1430Leu)

Gene: WNK1 (WNK lysine deficient protein kinase 1; plus strand). Cytogenetic location: 12p13.33.
Variant type: single nucleotide variant.
Coding change: c.4289C>T on transcript NM_018979.4 (MANE Select); coding-DNA position 4289, C replaced by T.
Protein change: p.Ser1430Leu; replaces serine 1430 with leucine.
Molecular consequence: missense variant.
Genome position (GRCh38, 1-based): chr12:885,093, C>T. VCF-style: chr12-885093-C-T. GRCh37 (hg19) VCF-style: chr12-994259-C-T.
Other names: c.5045C>T, p.Ser1682Leu (NM_213655.5); c.5069C>T, p.Ser1690Leu (NM_001184985.2); c.3548C>T, p.Ser1183Leu (NM_014823.3); short protein forms S1183L, S1430L, S1682L, S1690L.
Identifiers: ClinVar variation 3763140 (VCV003763140.2).
Genomic context (GRCh38, chr12:885,093, plus strand): 5'-CCAGCGTAGTTTCAAGTATCACAATACCTGCAGTTGTCTCAATATCTACTACATCCCCGT[C>T]ACTTCAAGTCCCCACATCCACATCTGAGATCGTTGTTTCTAGTACAGCACTGTATCCTTC-3'
Protein context (NP_061852.3, residues 1420-1440): AVVSISTTSP[Ser1430Leu]LQVPTSTSEI